The following is an entry in ClinVar:

NM_000494.4(COL17A1):c.1239_1240del (p.Ser414fs)

Gene: COL17A1 (collagen type XVII alpha 1 chain; minus strand). Cytogenetic location: 10q25.1.
Variant type: Microsatellite.
Coding change: c.1239_1240del on transcript NM_000494.4 (MANE Select); coding-DNA positions 1239 to 1240, 2 bases deleted (GT; older notation c.1239_1240delGT).
Protein change: p.Ser414fs; shifts the reading frame from serine 414.
Molecular consequence: frameshift variant.
Genome position (GRCh38, 1-based): chr10:104,058,173-104,058,174, AC deleted on the plus strand (GT on the coding strand, the reverse complement: COL17A1 is on the minus strand); deleting any 2 consecutive bases within chr10:104,058,173-104,058,177 gives the same sequence; the c. name uses the placement nearest the transcript's 3' end. VCF-style (leftmost placement, unchanged base first): chr10-104058172-GAC-G. GRCh37 (hg19) VCF-style: chr10-105817930-GAC-G.
Other names: short protein forms S414fs.
Identifiers: ClinVar variation 2963276 (VCV002963276.3), dbSNP rs1243557809, ClinGen allele CA595683780.
Genomic context (GRCh38, chr10:104,058,172, plus strand): 5'-TCCTGTCACTGCAGGGTTCGCGGTTCTCACCCACCTGCAGTGGTGGTCTTGCCCTTTGTG[GAC>G]ACAGTCTTCAGGTCTCCTGAAAGGACAAACAGATTGACCTGAGCTTTTAAACTGGAGGAG-3'

ClinVar aggregate classification (germline): Pathogenic (1 of 4 stars; one submission).

Submission:

Labcorp Genetics (formerly Invitae), Labcorp
Classification: Pathogenic. Last evaluated: 2023-08-03. Review status: criteria provided, single submitter. Criteria: Invitae Variant Classification Sherloc (09022015). Collection method: clinical testing. Allele origin: germline.
Comment: For these reasons, this variant has been classified as Pathogenic. This variant is also known as c.1239_1240delGT (p.Val413Valfs*88). This premature translational stop signal has been observed in individual(s) with autosomal recessive Junctional epidermolysis bullosa (PMID: 33393081). This variant is present in population databases (no rsID available, gnomAD 0.005%). This sequence change creates a premature translational stop signal (p.Ser414Hisfs*87) in the COL17A1 gene. It is expected to result in an absent or disrupted protein product. Loss-of-function variants in COL17A1 are known to be pathogenic (PMID: 16473856, 17344927, 20301304, 21357940, 24319098).

Literature cited by the submitters: PubMed 33393081; PubMed 16473856; PubMed 17344927; PubMed 20301304; PubMed 21357940; PubMed 24319098.